The following is an entry in ClinVar:

ClinVar aggregate classification (germline): Uncertain significance (1 of 4 stars; one submission).

Conditions:
Familial intrahepatic cholestasis. Identifiers: Orphanet 284385, MedGen CN296401, MONDO:0017290.

Submission:

Genomenon, Inc
Classification: Uncertain significance for Familial intrahepatic cholestasis. Last evaluated: 2026-04-14. Review status: criteria provided, single submitter. Criteria: Genomenon Sequence Variant Interpretation Standards - Updated. Collection method: curation. Allele origin: germline. Affected: yes.
Comment: ABCB4 c.2925-10_2925-9insC is an insertion variant that affects the acceptor splice region of intron 23. This variant has been observed in at least one proband with an ABCB4-related disorder (PMID:26474921). It is absent or not present at a significant frequency in gnomAD. In silico models predict that this variant is not damaging. In conclusion, we classify ABCB4 c.2925-10_2925-9insC as a variant of uncertain significance.

Literature cited by the submitters: PubMed 26474921.

NM_000443.4(ABCB4):c.2925-10_2925-9insC

Gene: ABCB4 (ATP binding cassette subfamily B member 4; minus strand). Cytogenetic location: 7q21.12.
Variant type: Insertion.
Coding change: c.2925-10_2925-9insC on transcript NM_000443.4 (MANE Select); 10 bases into the intron before coding-DNA position 2925 through 9 bases into the intron before coding-DNA position 2925, C inserted.
Molecular consequence: intron variant.
Genome position: GRCh38 VCF-style: chr7-87409401-A-AG. GRCh37 (hg19) VCF-style: chr7-87038717-A-AG.
Other names: c.2784-10_2784-9insC (NM_018850.3); c.2925-10_2925-9insC (NM_018849.3).
Identifiers: ClinVar variation 4846359 (VCV004846359.1).